The following is an entry in ClinVar:

NM_000554.6(CRX):c.319C>G (p.Pro107Ala)

Gene: CRX (cone-rod homeobox; plus strand). Cytogenetic location: 19q13.33.
Variant type: single nucleotide variant.
Coding change: c.319C>G on transcript NM_000554.6 (MANE Select); coding-DNA position 319, C replaced by G.
Protein change: p.Pro107Ala; replaces proline 107 with alanine.
Molecular consequence: missense variant.
Genome position (GRCh38, 1-based): chr19:47,839,386, C>G. VCF-style: chr19-47839386-C-G. GRCh37 (hg19) VCF-style: chr19-48342643-C-G.
Other names: c.319C>G (NM_000554.5); short protein forms P107A.
Identifiers: ClinVar variation 2926814 (VCV002926814.5), dbSNP rs749148264, ClinGen allele CA9544465.

ClinVar aggregate classification (germline): Uncertain significance. Review status: criteria provided, multiple submitters, no conflicts (2 of 4 stars). 3 submissions from 3 submitters: Uncertain significance (3). Last evaluated 2025-12-14.

Conditions:
CRX-related disorder. Also called: CRX-related condition.
Leber congenital amaurosis 7 (LCA7). Identifiers: Orphanet 65, MedGen C3151192, MONDO:0013449, OMIM 613829.
Cone-rod dystrophy 2 (CORD2). Also called: CONE-ROD RETINAL DYSTROPHY; Cone-rod retinal dystrophy 2. Identifiers: Orphanet 1872, MedGen C3489532, MONDO:0007362, OMIM 120970.

Allele frequency attached by ClinVar (database versions not stated): ExAC 0.00002; TOPMed 0.00002; gnomAD 0.00003.
gnomAD v4.1: 22 of 1,613,386 alleles (0.0014%); highest among the groups gnomAD compares: Non-Finnish European, 0.0017%; no homozygotes.

Submissions (3):

PreventionGenetics, part of Exact Sciences
Classification: Uncertain significance for CRX-related condition. Last evaluated: 2025-12-14. Review status: criteria provided, single submitter. Criteria: ACMG Guidelines, 2015. Collection method: clinical testing. Allele origin: germline.
Comment: The CRX c.319C>G variant is predicted to result in the amino acid substitution p.Pro107Ala. To our knowledge, this variant has not been reported in the literature. This variant is reported in 0.0039% of alleles in individuals of European (Non-Finnish) descent in gnomAD. At this time, the clinical significance of this variant is uncertain due to the absence of conclusive functional and genetic evidence.

Labcorp Genetics (formerly Invitae), Labcorp
Classification: Uncertain significance for Cone-rod dystrophy 2; Leber congenital amaurosis 7. Last evaluated: 2023-10-29. Review status: criteria provided, single submitter. Criteria: Invitae Variant Classification Sherloc (09022015). Collection method: clinical testing. Allele origin: germline.
Comment: This sequence change replaces proline, which is neutral and non-polar, with alanine, which is neutral and non-polar, at codon 107 of the CRX protein (p.Pro107Ala). This variant is present in population databases (rs749148264, gnomAD 0.004%). This variant has not been reported in the literature in individuals affected with CRX-related conditions. Advanced modeling of protein sequence and biophysical properties (such as structural, functional, and spatial information, amino acid conservation, physicochemical variation, residue mobility, and thermodynamic stability) performed at Invitae indicates that this missense variant is not expected to disrupt CRX protein function with a negative predictive value of 80%. In summary, the available evidence is currently insufficient to determine the role of this variant in disease. Therefore, it has been classified as a Variant of Uncertain Significance.

Blueprint Genetics
Classification: Uncertain significance. Last evaluated: 2019-09-13. Review status: criteria provided, single submitter. Criteria: ACMG Guidelines, 2015. Collection method: clinical testing. Allele origin: germline.